The following is an entry in ClinVar:

NM_012238.5(SIRT1):c.2099A>G (p.Asn700Ser)

Gene: SIRT1 (sirtuin 1; plus strand). Cytogenetic location: 10q21.3.
Variant type: single nucleotide variant.
Coding change: c.2099A>G on transcript NM_012238.5 (MANE Select); coding-DNA position 2099, A replaced by G.
Protein change: p.Asn700Ser; replaces asparagine 700 with serine.
Molecular consequence: missense variant.
Genome position (GRCh38, 1-based): chr10:67,916,448, A>G. VCF-style: chr10-67916448-A-G. GRCh37 (hg19) VCF-style: chr10-69676205-A-G.
Other names: c.1214A>G, p.Asn405Ser (NM_001142498.2); c.1190A>G, p.Asn397Ser (NM_001314049.2); short protein forms N405S, N700S, N397S.
Identifiers: ClinVar variation 2915751 (VCV002915751.3), dbSNP rs116459300, ClinGen allele CA5521410.

ClinVar aggregate classification (germline): Uncertain significance (1 of 4 stars; one submission).

Allele frequency attached by ClinVar (database versions not stated): TOPMed 0.00003; gnomAD 0.00012; gnomAD exomes 0.00013; ExAC 0.00021; 1000 Genomes Project 30x 0.00062; 1000 Genomes Project 0.00080.

Submission:

Labcorp Genetics (formerly Invitae), Labcorp
Classification: Uncertain significance. Last evaluated: 2025-01-20. Review status: criteria provided, single submitter. Criteria: Invitae Variant Classification Sherloc (09022015). Collection method: clinical testing. Allele origin: germline.
Comment: This sequence change replaces asparagine, which is neutral and polar, with serine, which is neutral and polar, at codon 700 of the SIRT1 protein (p.Asn700Ser). This variant is present in population databases (rs116459300, gnomAD 0.06%), and has an allele count higher than expected for a pathogenic variant. This variant has not been reported in the literature in individuals affected with SIRT1-related conditions. ClinVar contains an entry for this variant (Variation ID: 2915751). An algorithm developed to predict the effect of missense changes on protein structure and function (PolyPhen-2) suggests that this variant is likely to be tolerated. In summary, the available evidence is currently insufficient to determine the role of this variant in disease. Therefore, it has been classified as a Variant of Uncertain Significance.